The following is an entry in ClinVar:

ClinVar aggregate classification (germline): Uncertain significance (1 of 4 stars; one submission).

Submission:

CeGaT Center for Human Genetics Tuebingen
Classification: Uncertain significance. Last evaluated: 2026-01-01. Review status: criteria provided, single submitter. Criteria: CeGaT Center For Human Genetics Tuebingen Variant Classification Criteria Version 2. Collection method: clinical testing. Allele origin: germline. Affected: yes. Observed: 1 variant allele.
Comment: ARHGAP31: PM2, BP4

NM_020754.4(ARHGAP31):c.882-11_882-5del

Gene: ARHGAP31 (Rho GTPase activating protein 31; plus strand). Cytogenetic location: 3q13.33.
Variant type: Deletion.
Coding change: c.882-11_882-5del on transcript NM_020754.4 (MANE Select); 11 bases into the intron before coding-DNA position 882 through 5 bases into the intron before coding-DNA position 882, 7 bases deleted (GGTTCTT; older notation c.882-11_882-5delGGTTCTT).
Molecular consequence: intron variant.
Genome position (GRCh38, 1-based): chr3:119,393,456-119,393,462, GGTTCTT deleted; deleting any 7 consecutive bases within chr3:119,393,453-119,393,462 gives the same sequence; the c. name uses the placement nearest the transcript's 3' end. VCF-style (leftmost placement, unchanged base first): chr3-119393452-CCTTGGTT-C. GRCh37 (hg19) VCF-style: chr3-119112299-CCTTGGTT-C.
Identifiers: ClinVar variation 4823065 (VCV004823065.4).